The following is an entry in ClinVar:

NM_003201.3(TFAM):c.441+172A>G

Gene: TFAM (transcription factor A, mitochondrial; plus strand). Cytogenetic location: 10q21.1.
Variant type: single nucleotide variant.
Coding change: c.441+172A>G on transcript NM_003201.3 (MANE Select); 172 bases into the intron after coding-DNA position 441, A replaced by G.
Molecular consequence: intron variant.
Genome position (GRCh38, 1-based): chr10:58,388,991, A>G. VCF-style: chr10-58388991-A-G. GRCh37 (hg19) VCF-style: chr10-60148751-A-G.
Other names: c.441+172A>G (NM_001270782.2).
Identifiers: ClinVar variation 684190 (VCV000684190.1), dbSNP rs16912188, ClinGen allele CA208040099.

ClinVar aggregate classification (germline): Benign (1 of 4 stars; one submission).

Allele frequency attached by ClinVar (database versions not stated): 1000 Genomes Project 30x 0.14428; 1000 Genomes Project 0.14657; gnomAD 0.08216 and 0.08569; TOPMed 0.09237.
gnomAD v4.1: 13,016 of 152,244 alleles (8.5%); highest among the groups gnomAD compares: East Asian, 32%; 905 homozygotes.

Submission:

GeneDx
Classification: Benign. Last evaluated: 2018-06-14. Review status: criteria provided, single submitter. Criteria: GeneDx Variant Classification (06012015). Collection method: clinical testing. Allele origin: germline. Affected: yes.
Comment: This variant is considered likely benign or benign based on one or more of the following criteria: it is a conservative change, it occurs at a poorly conserved position in the protein, it is predicted to be benign by multiple in silico algorithms, and/or has population frequency not consistent with disease.